The following is an entry in ClinVar:

ClinVar aggregate classification (germline): Uncertain significance (1 of 4 stars; one submission).

Conditions:
SMAD2-related disorder. Also called: SMAD2-related condition; SMAD2-related disorders.

Submission:

PreventionGenetics, part of Exact Sciences
Classification: Uncertain significance for SMAD2-related condition. Last evaluated: 2026-09-01. Review status: criteria provided, single submitter. Criteria: ACMG Guidelines, 2015. Collection method: clinical testing. Allele origin: germline.
Comment: The SMAD2 c.1245A>C variant is predicted to result in the amino acid substitution p.Arg415Ser. To our knowledge, this variant has not been reported in the literature or in a large population database (gnomAD), indicating this variant is rare. At this time, the clinical significance of this variant is uncertain due to the absence of conclusive functional and genetic evidence.

NM_005901.6(SMAD2):c.1245A>C (p.Arg415Ser)

Gene: SMAD2 (SMAD family member 2; minus strand). Cytogenetic location: 18q21.1.
Variant type: single nucleotide variant.
Coding change: c.1245A>C on transcript NM_005901.6 (MANE Select); coding-DNA position 1245, A replaced by C.
Protein change: p.Arg415Ser; replaces arginine 415 with serine.
Molecular consequence: missense variant.
Genome position (GRCh38, 1-based): chr18:47,845,375, T>G on the plus strand (A>C on the coding strand, the complement: SMAD2 is on the minus strand). VCF-style: chr18-47845375-T-G. GRCh37 (hg19) VCF-style: chr18-45371746-T-G.
Other names: c.1245A>C, p.Arg415Ser (NM_001003652.4); c.1155A>C, p.Arg385Ser (NM_001135937.3); short protein forms R415S, R385S.
Identifiers: ClinVar variation 4995235 (VCV004995235.1).